The following is an entry in ClinVar:

NM_001127208.3(TET2):c.100C>T (p.Leu34Phe)

Genes: TET2-AS1 (TET2 antisense RNA 1; minus strand), TET2 (tet methylcytosine dioxygenase 2; plus strand). Cytogenetic location: 4q24.
Variant type: single nucleotide variant.
Coding change: c.100C>T on transcript NM_001127208.3 (MANE Select); coding-DNA position 100, C replaced by T.
Protein change: p.Leu34Phe; replaces leucine 34 with phenylalanine.
Molecular consequence: missense variant.
Genome position (GRCh38, 1-based): chr4:105,234,042, C>T. VCF-style: chr4-105234042-C-T. GRCh37 (hg19) VCF-style: chr4-106155199-C-T.
Other names: c.100C>T, p.Leu34Phe (NM_017628.4); c.100C>T (NM_001127208.2); short protein forms L34F.
Identifiers: ClinVar variation 135308 (VCV000135308.9), dbSNP rs111948941, ClinGen allele CA162305.

ClinVar aggregate classification (germline): Benign. Review status: criteria provided, multiple submitters, no conflicts (2 of 4 stars). 4 submissions from 4 submitters: Benign (3). 1 of the submissions does not count toward it. Last evaluated 2026-02-03.

Allele frequency attached by ClinVar (database versions not stated): 1000 Genomes Project 0.00639; 1000 Genomes Project 30x 0.00750; TOPMed 0.01232; gnomAD 0.01365 and 0.01368; ESP Exome Variant Server 0.01430; ExAC 0.01530; gnomAD exomes 0.01561 and 0.01700.
gnomAD v4.1: 27,045 of 1,614,044 alleles (1.7%); highest among the groups gnomAD compares: Middle Eastern, 2.6%; 305 homozygotes.

Submissions (4):

Labcorp Genetics (formerly Invitae), Labcorp
Classification: Benign. Last evaluated: 2026-02-03. Review status: criteria provided, single submitter. Criteria: Invitae Variant Classification Sherloc (09022015). Collection method: clinical testing. Allele origin: germline.

ARUP Laboratories, Molecular Genetics and Genomics, ARUP Laboratories
Classification: Benign. Last evaluated: 2025-05-23. Review status: criteria provided, single submitter. Criteria: ARUP Molecular Germline Variant Investigation Process 2024. Collection method: clinical testing. Allele origin: germline.

Mayo Clinic Laboratories, Mayo Clinic
Classification: Benign. Last evaluated: 2023-10-16. Review status: criteria provided, single submitter. Criteria: ACMG Guidelines, 2015. Collection method: clinical testing. Allele origin: germline. Observed: 4 variant alleles.
Comment: BS1, BS2, BP4

ITMI
No classification provided. Condition: AllHighlyPenetrant. Last evaluated: 2013-09-19. Review status: no classification provided. Collection method: reference population. Allele origin: germline. Not counted in ClinVar's aggregate classification.
Comment: Please see associated publication for description of ethnicities

Literature cited by the submitters: PubMed 19420352 (cited by Mayo Clinic Laboratories, Mayo Clinic); PubMed 24728327 (cited by ITMI).